The following is an entry in ClinVar:

NM_018979.4(WNK1):c.-452G>A

Gene: WNK1 (WNK lysine deficient protein kinase 1; plus strand). Cytogenetic location: 12p13.33.
Variant type: single nucleotide variant.
Coding change: c.-452G>A on transcript NM_018979.4 (MANE Select); 452 bases upstream of the start codon, G replaced by A.
Molecular consequence: 5 prime UTR variant.
Genome position (GRCh38, 1-based): chr12:753,114, G>A. VCF-style: chr12-753114-G-A. GRCh37 (hg19) VCF-style: chr12-862280-G-A.
Other names: c.-452G>A (NM_001184985.2, NM_014823.3, NM_213655.5).
Identifiers: ClinVar variation 310519 (VCV000310519.9), dbSNP rs118007973, ClinGen allele CA10638572.

ClinVar aggregate classification (germline): Benign. Review status: criteria provided, multiple submitters, no conflicts (2 of 4 stars). 3 submissions from 3 submitters: Benign (3). Last evaluated 2018-07-06.

Conditions:
Pseudohypoaldosteronism type 2C (PHA2C). Also called: Pseudohypoaldosteronism Type IIC. Identifiers: Orphanet 757, Orphanet 88940, MedGen C1840391, MONDO:0013778, OMIM 614492.

Allele frequency attached by ClinVar (database versions not stated): 1000 Genomes Project 0.05052; TOPMed 0.04485; gnomAD 0.04492 and 0.04570; 1000 Genomes Project 30x 0.04809; gnomAD exomes 0.04971.
gnomAD v4.1: 6,989 of 153,078 alleles (4.6%); highest among the groups gnomAD compares: East Asian, 9.4%; 211 homozygotes.

Submissions (3):

GeneDx
Classification: Benign. Last evaluated: 2018-07-06. Review status: criteria provided, single submitter. Criteria: GeneDx Variant Classification Process June 2021. Collection method: clinical testing. Allele origin: germline. Affected: yes.

Illumina Laboratory Services, Illumina
Classification: Benign for Pseudohypoaldosteronism type 2C. Last evaluated: 2018-01-13. Review status: criteria provided, single submitter. Criteria: ICSL Variant Classification Criteria 13 December 2019. Collection method: clinical testing. Allele origin: germline.
Comment: This variant was observed in the ICSL laboratory as part of a predisposition screen in an ostensibly healthy population. It had not been previously curated by ICSL or reported in the Human Gene Mutation Database (HGMD: prior to June 1st, 2018), and was therefore a candidate for classification through an automated scoring system. Utilizing variant allele frequency, disease prevalence and penetrance estimates, and inheritance mode, an automated score was calculated to assess if this variant is too frequent to cause the disease. Based on the score and internal cut-off values, a variant classified as benign is not then subjected to further curation. The score for this variant resulted in a classification of benign for this disease.

Breakthrough Genomics
Classification: Benign. Review status: criteria provided, single submitter. Criteria: ACMG Guidelines, 2015. Collection method: not provided. Allele origin: germline. Inheritance: Autosomal recessive inheritance. Affected: yes.